The following is an entry in ClinVar:

NM_016107.5(ZFR):c.1387A>G (p.Thr463Ala)

Gene: ZFR (zinc finger RNA binding protein; minus strand). Cytogenetic location: 5p13.3.
Variant type: single nucleotide variant.
Coding change: c.1387A>G on transcript NM_016107.5 (MANE Select); coding-DNA position 1387, A replaced by G.
Protein change: p.Thr463Ala; replaces threonine 463 with alanine.
Molecular consequence: missense variant. On other transcripts: non-coding transcript variant (1).
Genome position (GRCh38, 1-based): chr5:32,403,235, T>C on the plus strand (A>G on the coding strand, the complement: ZFR is on the minus strand). VCF-style: chr5-32403235-T-C. GRCh37 (hg19) VCF-style: chr5-32403340-T-C.
Other names: short protein forms T463A.
Identifiers: ClinVar variation 571878 (VCV000571878.9), dbSNP rs150408674, ClinGen allele CA3221842.
Genomic context (GRCh38, chr5:32,403,235, plus strand): 5'-TGTTAGATGTGCTATTAAGAGACGAGTTTCCTGTAGTCGTAAGACCCTTCATTGAAGACG[T>C]TGCAACTGATGACGTATTCACAGTACAATTGTTTGCTGCAATGCTTGAAGGAGAGGCAGT-3'
Protein context (NP_057191.2, residues 453-473): NCTVNTSSVA[Thr463Ala]SSMKGLTTTG

ClinVar aggregate classification (germline): Uncertain significance (1 of 4 stars; one submission).

Conditions:
Pure or complex autosomal recessive spastic paraplegia. Identifiers: Orphanet 320346, MedGen C5679887, MONDO:0017915.

Allele frequency attached by ClinVar (database versions not stated): ExAC 0.00015; gnomAD exomes 0.00018; gnomAD 0.00032; TOPMed 0.00045; ESP Exome Variant Server 0.00054; 1000 Genomes Project 30x 0.00094; 1000 Genomes Project 0.00100.
gnomAD v4.1: 185 of 1,614,216 alleles (0.011%); highest among the groups gnomAD compares: African/African-American, 0.13%; no homozygotes.

Submission:

Labcorp Genetics (formerly Invitae), Labcorp
Classification: Uncertain significance for Pure or complex autosomal recessive spastic paraplegia. Last evaluated: 2023-12-11. Review status: criteria provided, single submitter. Criteria: Invitae Variant Classification Sherloc (09022015). Collection method: clinical testing. Allele origin: germline.
Comment: This sequence change replaces threonine, which is neutral and polar, with alanine, which is neutral and non-polar, at codon 463 of the ZFR protein (p.Thr463Ala). This variant is present in population databases (rs150408674, gnomAD 0.1%), and has an allele count higher than expected for a pathogenic variant. This variant has not been reported in the literature in individuals affected with ZFR-related conditions. ClinVar contains an entry for this variant (Variation ID: 571878). Algorithms developed to predict the effect of missense changes on protein structure and function output the following: SIFT: "Not Available"; PolyPhen-2: "Not Available"; Align-GVGD: "Not Available". The alanine amino acid residue is found in multiple mammalian species, which suggests that this missense change does not adversely affect protein function. In summary, the available evidence is currently insufficient to determine the role of this variant in disease. Therefore, it has been classified as a Variant of Uncertain Significance.